The following is an entry in ClinVar:

ClinVar aggregate classification (germline): Uncertain significance (1 of 4 stars; one submission).

Allele frequency attached by ClinVar (database versions not stated): gnomAD exomes below 0.00001.
gnomAD v4.1: 2 of 1,611,672 alleles (0.00012%); highest among the groups gnomAD compares: Admixed American, 0.0017%; no homozygotes.

Submission:

Ambry Genetics
Classification: Uncertain significance. Last evaluated: 2024-06-17. Review status: criteria provided, single submitter. Criteria: Ambry Variant Classification Scheme 2023. Collection method: clinical testing. Allele origin: germline.
Comment: The p.T396I variant (also known as c.1187C>T), located in coding exon 4 of the PALLD gene, results from a C to T substitution at nucleotide position 1187. The threonine at codon 396 is replaced by isoleucine, an amino acid with similar properties. This amino acid position is conserved. In addition, this alteration is predicted to be deleterious by in silico analysis. Since supporting evidence is limited at this time, the clinical significance of this alteration remains unclear.

NM_001166108.2(PALLD):c.1187C>T (p.Thr396Ile)

Gene: PALLD (palladin, cytoskeletal associated protein; plus strand). Cytogenetic location: 4q32.3.
Variant type: single nucleotide variant.
Coding change: c.1187C>T on transcript NM_001166108.2 (MANE Select); coding-DNA position 1187, C replaced by T.
Protein change: p.Thr396Ile; replaces threonine 396 with isoleucine.
Molecular consequence: missense variant.
Genome position (GRCh38, 1-based): chr4:168,683,030, C>T. VCF-style: chr4-168683030-C-T. GRCh37 (hg19) VCF-style: chr4-169604181-C-T.
Other names: c.41C>T, p.Thr14Ile (NM_001166109.2); c.1187C>T, p.Thr396Ile (NM_016081.4); short protein forms T396I, T14I.
Identifiers: ClinVar variation 1743735 (VCV001743735.3), dbSNP rs75548352, ClinGen allele CA110494285.